The following is an entry in ClinVar:

ClinVar aggregate classification (germline): Conflicting classifications of pathogenicity. Review status: criteria provided, conflicting classifications (1 of 4 stars). 2 submissions from 2 submitters: Uncertain significance (1); Likely benign (1). Last evaluated 2025-08-31.

Conditions:
Cardiovascular phenotype. Identifiers: MedGen CN230736.
Naxos disease (NXD). Also called: KERATOSIS PALMOPLANTARIS WITH ARRHYTHMOGENIC CARDIOMYOPATHY; MAL DE NAXOS; CARDIOMYOPATHY, ARRHYTHMOGENIC RIGHT VENTRICULAR, WITH SKIN, HAIR, AND NAIL ABNORMALITIES; PALMOPLANTAR KERATODERMA WITH ARRHYTHMOGENIC RIGHT VENTRICULAR CARDIOMYOPATHY AND WOOLLY HAIR; WOOLLY HAIR, PALMOPLANTAR KERATODERMA, AND CARDIAC ABNORMALITIES. Identifiers: Orphanet 34217, MedGen C1832600, MONDO:0011017, OMIM 601214.
Arrhythmogenic right ventricular dysplasia 12. Also called: ARRHYTHMOGENIC RIGHT VENTRICULAR DYSPLASIA, FAMILIAL, 12. Identifiers: MedGen C1969081, MONDO:0012684, OMIM 611528.

Allele frequency attached by ClinVar (database versions not stated): gnomAD 0.00001; gnomAD exomes 0.00004 and 0.00010; TOPMed 0.00004; ExAC 0.00012.
gnomAD v4.1: 27 of 1,614,080 alleles (0.0017%); highest among the groups gnomAD compares: Admixed American, 0.045%; no homozygotes.

Submissions (2):

Labcorp Genetics (formerly Invitae), Labcorp
Classification: Uncertain significance for Arrhythmogenic right ventricular dysplasia 12; Naxos disease. Last evaluated: 2025-08-31. Review status: criteria provided, single submitter. Criteria: Invitae Variant Classification Sherloc (09022015). Collection method: clinical testing. Allele origin: germline.
Comment: This sequence change replaces valine, which is neutral and non-polar, with methionine, which is neutral and non-polar, at codon 402 of the JUP protein (p.Val402Met). This variant is present in population databases (rs782241125, gnomAD 0.07%). This variant has not been reported in the literature in individuals affected with JUP-related conditions. ClinVar contains an entry for this variant (Variation ID: 998407). An algorithm developed to predict the effect of missense changes on protein structure and function (PolyPhen-2) suggests that this variant is likely to be tolerated. In summary, the available evidence is currently insufficient to determine the role of this variant in disease. Therefore, it has been classified as a Variant of Uncertain Significance.

Ambry Genetics
Classification: Likely benign for Cardiovascular phenotype. Last evaluated: 2023-08-09. Review status: criteria provided, single submitter. Criteria: Ambry Variant Classification Scheme 2023. Collection method: clinical testing. Allele origin: germline.

NM_002230.4(JUP):c.1204G>A (p.Val402Met)

Gene: JUP (junction plakoglobin; minus strand). Cytogenetic location: 17q21.2.
Variant type: single nucleotide variant.
Coding change: c.1204G>A on transcript NM_002230.4 (MANE Select); coding-DNA position 1204, G replaced by A.
Protein change: p.Val402Met; replaces valine 402 with methionine.
Molecular consequence: missense variant.
Genome position (GRCh38, 1-based): chr17:41,763,276, C>T on the plus strand (G>A on the coding strand, the complement: JUP is on the minus strand). VCF-style: chr17-41763276-C-T. GRCh37 (hg19) VCF-style: chr17-39919528-C-T.
Other names: c.1204G>A, p.Val402Met (NM_021991.4, NM_001352773.2, NM_001352774.2 and 3 more transcripts); short protein forms V402M.
Identifiers: ClinVar variation 998407 (VCV000998407.8), dbSNP rs782241125, ClinGen allele CA8565255.